The following is an entry in ClinVar:

NM_003072.5(SMARCA4):c.463G>T (p.Asp155Tyr)

Gene: SMARCA4 (SWI/SNF related BAF chromatin remodeling complex subunit ATPase 4; plus strand). Cytogenetic location: 19p13.2.
Variant type: single nucleotide variant.
Coding change: c.463G>T on transcript NM_003072.5 (MANE Select); coding-DNA position 463, G replaced by T.
Protein change: p.Asp155Tyr; replaces aspartic acid 155 with tyrosine.
Molecular consequence: missense variant. On other transcripts: non-coding transcript variant (1).
Genome position (GRCh38, 1-based): chr19:10,986,296, G>T. VCF-style: chr19-10986296-G-T. GRCh37 (hg19) VCF-style: chr19-11096972-G-T.
Other names: c.463G>T, p.Asp155Tyr (NM_001128844.3, NM_001128845.2, NM_001128846.2 and 6 more transcripts); short protein forms D155Y.
Identifiers: ClinVar variation 4170145 (VCV004170145.1).

ClinVar aggregate classification (germline): Uncertain significance (1 of 4 stars; one submission).

Conditions:
Hereditary cancer-predisposing syndrome. Also called: Neoplastic Syndromes, Hereditary; Tumor predisposition; Hereditary Cancer Syndrome; Hereditary neoplastic syndrome. Identifiers: Orphanet 140162, MedGen C0027672, MeSH D009386, MONDO:0015356.

Submission:

Ambry Genetics
Classification: Uncertain significance for Hereditary cancer-predisposing syndrome. Last evaluated: 2025-07-02. Review status: criteria provided, single submitter. Criteria: Ambry Variant Classification Scheme 2023. Collection method: clinical testing. Allele origin: germline.
Comment: The p.D155Y variant (also known as c.463G>T), located in coding exon 3 of the SMARCA4 gene, results from a G to T substitution at nucleotide position 463. The aspartic acid at codon 155 is replaced by tyrosine, an amino acid with highly dissimilar properties. This amino acid position is well conserved in available vertebrate species. In addition, the in silico prediction for this alteration is inconclusive. Based on the available evidence, the clinical significance of this variant remains unclear.